The following is an entry in ClinVar:

NM_012473.4(TXN2):c.261A>C (p.Ala87=)

Gene: TXN2 (thioredoxin 2; minus strand). Cytogenetic location: 22q12.3.
Variant type: single nucleotide variant.
Coding change: c.261A>C on transcript NM_012473.4 (MANE Select); coding-DNA position 261, A replaced by C.
Protein change: p.Ala87=; no amino-acid change (alanine 87 retained).
Molecular consequence: synonymous variant.
Genome position (GRCh38, 1-based): chr22:36,480,577, T>G on the plus strand (A>C on the coding strand, the complement: TXN2 is on the minus strand). VCF-style: chr22-36480577-T-G. GRCh37 (hg19) VCF-style: chr22-36876624-T-G.
Identifiers: ClinVar variation 2583003 (VCV002583003.27), dbSNP rs749412225, ClinGen allele CA10210873.

ClinVar aggregate classification (germline): Likely benign. Review status: criteria provided, multiple submitters, no conflicts (2 of 4 stars). 2 submissions from 2 submitters: Likely benign (2). Last evaluated 2024-12-24.

Allele frequency attached by ClinVar (database versions not stated): gnomAD 0.00002; gnomAD exomes 0.00003; ExAC 0.00005; TOPMed 0.00006.

Submissions (2):

Labcorp Genetics (formerly Invitae), Labcorp
Classification: Likely benign. Last evaluated: 2024-12-24. Review status: criteria provided, single submitter. Criteria: Invitae Variant Classification Sherloc (09022015). Collection method: clinical testing. Allele origin: germline.

CeGaT Center for Human Genetics Tuebingen
Classification: Likely benign. Last evaluated: 2023-09-01. Review status: criteria provided, single submitter. Criteria: CeGaT Center For Human Genetics Tuebingen Variant Classification Criteria Version 2. Collection method: clinical testing. Allele origin: germline. Affected: yes. Observed: 1 variant allele.
Comment: TXN2: BP4, BP7